The following is an entry in ClinVar:

NM_001166108.2(PALLD):c.2797G>A (p.Ala933Thr)

Genes: CBR4 (carbonyl reductase 4; minus strand), PALLD (palladin, cytoskeletal associated protein; plus strand). Cytogenetic location: 4q32.3.
Variant type: single nucleotide variant.
Coding change: c.2797G>A on transcript NM_001166108.2 (MANE Select); coding-DNA position 2797, G replaced by A.
Protein change: p.Ala933Thr; replaces alanine 933 with threonine.
Molecular consequence: missense variant.
Genome position (GRCh38, 1-based): chr4:168,915,974, G>A. VCF-style: chr4-168915974-G-A. GRCh37 (hg19) VCF-style: chr4-169837125-G-A.
Other names: c.1600G>A, p.Ala534Thr (NM_001166109.2); c.1285G>A, p.Ala429Thr (NM_001166110.2); c.625G>A, p.Ala209Thr (NM_001367567.1, NM_001367569.1); c.676G>A, p.Ala226Thr (NM_001367568.1, NM_001367570.1); c.2746G>A, p.Ala916Thr (NM_016081.4); c.2746G>A (NM_016081.3); short protein forms A933T, A916T, A209T, A534T, A226T, A429T.
Identifiers: ClinVar variation 1510788 (VCV001510788.9), dbSNP rs755556663, ClinGen allele CA3135959.

ClinVar aggregate classification (germline): Uncertain significance. Review status: criteria provided, multiple submitters, no conflicts (2 of 4 stars). 2 submissions from 2 submitters: Uncertain significance (2). Last evaluated 2026-01-10.

Conditions:
Pancreatic adenocarcinoma. Identifiers: MedGen C0281361, MONDO:0006047, HP:0006725.

Allele frequency attached by ClinVar (database versions not stated): TOPMed 0.00001; gnomAD 0.00002.
gnomAD v4.1: 3 of 1,613,420 alleles (0.00019%); highest among the groups gnomAD compares: African/African-American, 0.004%; no homozygotes.

Submissions (2):

Labcorp Genetics (formerly Invitae), Labcorp
Classification: Uncertain significance for Pancreatic adenocarcinoma. Last evaluated: 2026-01-10. Review status: criteria provided, single submitter. Criteria: Invitae Variant Classification Sherloc (09022015). Collection method: clinical testing. Allele origin: germline.
Comment: This sequence change replaces alanine, which is neutral and non-polar, with threonine, which is neutral and polar, at codon 429 of the PALLD protein (p.Ala429Thr). This variant is present in population databases (rs755556663, gnomAD 0.01%). This variant has not been reported in the literature in individuals affected with PALLD-related conditions. ClinVar contains an entry for this variant (Variation ID: 1510788). An algorithm developed to predict the effect of missense changes on protein structure and function (PolyPhen-2) suggests that this variant is likely to be disruptive. In summary, the available evidence is currently insufficient to determine the role of this variant in disease. Therefore, it has been classified as a Variant of Uncertain Significance.

Ambry Genetics
Classification: Uncertain significance. Last evaluated: 2023-02-25. Review status: criteria provided, single submitter. Criteria: Ambry Variant Classification Scheme 2023. Collection method: clinical testing. Allele origin: germline.
Comment: The p.A916T variant (also known as c.2746G>A), located in coding exon 15 of the PALLD gene, results from a G to A substitution at nucleotide position 2746. The alanine at codon 916 is replaced by threonine, an amino acid with similar properties. This amino acid position is conserved. In addition, the in silico prediction for this alteration is inconclusive. Since supporting evidence is limited at this time, the clinical significance of this alteration remains unclear.